The following is an entry in ClinVar:

ClinVar aggregate classification (germline): Conflicting classifications of pathogenicity. Review status: criteria provided, conflicting classifications (1 of 4 stars). 3 submissions from 3 submitters: Likely pathogenic (1); Uncertain significance (2). Last evaluated 2024-03-22.

Conditions:
Endometrial carcinoma. Also called: Endometrial carcinoma, somatic. Identifiers: MedGen C0476089, MONDO:0002447, OMIM 608089, HP:0012114.
Hereditary cancer-predisposing syndrome. Also called: Neoplastic Syndromes, Hereditary; Hereditary Cancer Syndrome; Tumor predisposition; Hereditary neoplastic syndrome. Identifiers: Orphanet 140162, MedGen C0027672, MeSH D009386, MONDO:0015356.

Submissions (3):

Blueprint Genetics
Classification: Uncertain significance. Last evaluated: 2024-03-22. Review status: criteria provided, single submitter. Criteria: ACMG Guidelines, 2015. Collection method: clinical testing. Allele origin: germline.

Centre for Mendelian Genomics, University Medical Centre Ljubljana
Classification: Uncertain significance for Endometrial carcinoma. Last evaluated: 2019-08-28. Review status: criteria provided, single submitter. Criteria: ACMG Guidelines, 2015. Collection method: clinical testing. Allele origin: unknown. Affected: yes.
Comment: This variant was classified as: Uncertain significance. The available evidence favors the pathogenic nature of this variant, however the currently available data is insufficient to conclusively support its pathogenic nature. Thus this variant is classified as Uncertain significance - favor pathogenic. The following ACMG criteria were applied in classifying this variant: PM2,PM4,PP5. This variant was detected in homozygous state.

Department of Pediatric Oncology,  Hematology and Clinical Immunology, University Clinics Duesseldorf
Classification: Likely pathogenic for Hereditary cancer-predisposing syndrome. Review status: criteria provided, single submitter. Criteria: ACMG Guidelines, 2015. Collection method: research. Allele origin: inherited. Affected: yes. Observed: 1 homozygote.

NM_000179.3(MSH6):c.2426_2428del (p.Val809del)

Gene: MSH6 (mutS homolog 6; plus strand). Cytogenetic location: 2p16.3.
Variant type: Deletion.
Coding change: c.2426_2428del on transcript NM_000179.3 (MANE Select); coding-DNA positions 2426 to 2428, 3 bases deleted (TAG; older notation c.2426_2428delTAG).
Protein change: p.Val809del; deletes valine 809.
Molecular consequence: inframe deletion.
Genome position (GRCh38, 1-based): chr2:47,800,409-47,800,411, TAG deleted; deleting any 3 consecutive bases within chr2:47,800,408-47,800,411 gives the same sequence; the c. name uses the placement nearest the transcript's 3' end. VCF-style (leftmost placement, unchanged base first): chr2-47800407-TGTA-T. GRCh37 (hg19) VCF-style: chr2-48027546-TGTA-T.
Other names: c.2036_2038del, p.Val679del (NM_001281492.2); c.1520_1522del, p.Val507del (NM_001281493.2, NM_001281494.2); short protein forms V507del, V679del.
Identifiers: ClinVar variation 89283 (VCV000089283.6), dbSNP rs587779240, ClinGen allele CA010243.